The following is an entry in ClinVar:

NM_032119.4(ADGRV1):c.13495C>T (p.Arg4499Cys)

Gene: ADGRV1 (adhesion G protein-coupled receptor V1; plus strand). Cytogenetic location: 5q14.3.
Variant type: single nucleotide variant.
Coding change: c.13495C>T on transcript NM_032119.4 (MANE Select); coding-DNA position 13495, C replaced by T.
Protein change: p.Arg4499Cys; replaces arginine 4499 with cysteine.
Molecular consequence: missense variant. On other transcripts: non-coding transcript variant (1).
Genome position (GRCh38, 1-based): chr5:90,783,899, C>T. VCF-style: chr5-90783899-C-T. GRCh37 (hg19) VCF-style: chr5-90079716-C-T.
Other names: short protein forms R4499C.
Identifiers: ClinVar variation 966515 (VCV000966515.11), dbSNP rs567519802, ClinGen allele CA3341539.
Genomic context (GRCh38, chr5:90,783,899, plus strand): 5'-GAATTTGAGGAGCCCATTGAAATTCTACTCACTGGAGCTACTGGAGGAGCGGTCCTTGGG[C>T]GCCACCTAGTGAGCAGAATCATAATAGCTAAGAGTGACTCTCCCTTTGGAGTTATAAGGT-3'
Protein context (NP_115495.3, residues 4489-4509): TGATGGAVLG[Arg4499Cys]HLVSRIIIAK

ClinVar aggregate classification (germline): Conflicting classifications of pathogenicity. Review status: criteria provided, conflicting classifications (1 of 4 stars). 3 submissions from 3 submitters: Uncertain significance (2); Likely benign (1). Last evaluated 2026-01-18.

Allele frequency attached by ClinVar (database versions not stated): gnomAD 0.00001 and 0.00002; gnomAD exomes 0.00002 and 0.00003; TOPMed 0.00002; ExAC 0.00004; 1000 Genomes Project 30x 0.00016; 1000 Genomes Project 0.00020.
gnomAD v4.1: 38 of 1,612,080 alleles (0.0024%); highest among the groups gnomAD compares: South Asian, 0.023%; no homozygotes.

Submissions (3):

Labcorp Genetics (formerly Invitae), Labcorp
Classification: Likely benign. Last evaluated: 2026-01-18. Review status: criteria provided, single submitter. Criteria: Invitae Variant Classification Sherloc (09022015). Collection method: clinical testing. Allele origin: germline.

Women's Health and Genetics/Laboratory Corporation of America, LabCorp
Classification: Uncertain significance. Last evaluated: 2025-06-17. Review status: criteria provided, single submitter. Criteria: LabCorp Variant Classification Summary - May 2015. Collection method: clinical testing. Allele origin: germline.
Comment: Variant summary: ADGRV1 c.13495C>T (p.Arg4499Cys) results in a non-conservative amino acid change in the encoded protein sequence. Algorithms developed to predict the effect of missense changes on protein structure and function are either unavailable or do not agree on the potential impact of this missense change. The variant allele was found at a frequency of 2.8e-05 in 245774 control chromosomes. The available data on variant occurrences in the general population are insufficient to allow any conclusion about variant significance. c.13495C>T has been observed in an individual affected with myoclonic epilepsy (Myers_2018). These report(s) do not provide unequivocal conclusions about association of the variant with Usher Syndrome. To our knowledge, no experimental evidence demonstrating an impact on protein function has been reported. The following publications have been ascertained in the context of this evaluation (PMID: 34160719, 29266188). ClinVar contains an entry for this variant (Variation ID: 966515). Based on the evidence outlined above, the variant was classified as uncertain significance.

GeneDx
Classification: Uncertain significance. Last evaluated: 2020-01-02. Review status: criteria provided, single submitter. Criteria: GeneDx Variant Classification Process June 2021. Collection method: clinical testing. Allele origin: germline. Affected: yes.
Comment: In silico analysis, which includes protein predictors and evolutionary conservation, supports a deleterious effect; This variant is associated with the following publications: (PMID: 29266188)

Literature cited by the submitters: PubMed 34160719 (cited by Women's Health and Genetics/Laboratory Corporation of America, LabCorp); PubMed 29266188 (cited by Women's Health and Genetics/Laboratory Corporation of America, LabCorp).